The following is an entry in ClinVar:

ClinVar aggregate classification (germline): Uncertain significance. Review status: criteria provided, multiple submitters, no conflicts (2 of 4 stars). 2 submissions from 2 submitters: Uncertain significance (2). Last evaluated 2022-10-04.

Conditions:
Hereditary cancer-predisposing syndrome. Also called: Hereditary Cancer Syndrome; Hereditary neoplastic syndrome; Neoplastic Syndromes, Hereditary; Tumor predisposition. Identifiers: Orphanet 140162, MedGen C0027672, MeSH D009386, MONDO:0015356.

Submissions (2):

GeneDx
Classification: Uncertain significance. Last evaluated: 2022-10-04. Review status: criteria provided, single submitter. Criteria: GeneDx Variant Classification Process June 2021. Collection method: clinical testing. Allele origin: germline. Affected: yes.
Comment: Not observed at significant frequency in large population cohorts (gnomAD); In silico analysis supports that this missense variant has a deleterious effect on protein structure/function; Has not been previously published as pathogenic or benign to our knowledge; This variant is associated with the following publications: (PMID: 28393830)

Ambry Genetics
Classification: Uncertain significance for Hereditary cancer-predisposing syndrome. Last evaluated: 2022-02-15. Review status: criteria provided, single submitter. Criteria: Ambry Variant Classification Scheme 2023. Collection method: clinical testing. Allele origin: germline.
Comment: The p.G443C variant (also known as c.1327G>T), located in coding exon 10 of the POT1 gene, results from a G to T substitution at nucleotide position 1327. The glycine at codon 443 is replaced by cysteine, an amino acid with highly dissimilar properties. This amino acid position is conserved. In addition, this alteration is predicted to be tolerated by in silico analysis. Since supporting evidence is limited at this time, the clinical significance of this alteration remains unclear.

NM_015450.3(POT1):c.1327G>T (p.Gly443Cys)

Gene: POT1 (protection of telomeres 1; minus strand). Cytogenetic location: 7q31.33.
Variant type: single nucleotide variant.
Coding change: c.1327G>T on transcript NM_015450.3 (MANE Select); coding-DNA position 1327, G replaced by T.
Protein change: p.Gly443Cys; replaces glycine 443 with cysteine.
Molecular consequence: missense variant. On other transcripts: non-coding transcript variant (3).
Genome position (GRCh38, 1-based): chr7:124,841,015, C>A on the plus strand (G>T on the coding strand, the complement: POT1 is on the minus strand). VCF-style: chr7-124841015-C-A. GRCh37 (hg19) VCF-style: chr7-124481069-C-A.
Other names: c.934G>T, p.Gly312Cys (NM_001042594.2); short protein forms G312C, G443C.
Identifiers: ClinVar variation 1770041 (VCV001770041.3), dbSNP rs1795013830, ClinGen allele CA369066818.